The following is an entry in ClinVar:

NM_001845.6(COL4A1):c.2581G>C (p.Gly861Arg)

Gene: COL4A1 (collagen type IV alpha 1 chain; minus strand). Cytogenetic location: 13q34.
Variant type: single nucleotide variant.
Coding change: c.2581G>C on transcript NM_001845.6 (MANE Select); coding-DNA position 2581, G replaced by C.
Protein change: p.Gly861Arg; replaces glycine 861 with arginine.
Molecular consequence: missense variant.
Genome position (GRCh38, 1-based): chr13:110,178,109, C>G on the plus strand (G>C on the coding strand, the complement: COL4A1 is on the minus strand). VCF-style: chr13-110178109-C-G. GRCh37 (hg19) VCF-style: chr13-110830456-C-G.
Other names: short protein forms G861R.
Identifiers: ClinVar variation 2858817 (VCV002858817.3), dbSNP rs2501780225, ClinGen allele CA388667803.

ClinVar aggregate classification (germline): Likely pathogenic (1 of 4 stars; one submission).

Submission:

Labcorp Genetics (formerly Invitae), Labcorp
Classification: Likely pathogenic. Last evaluated: 2023-05-05. Review status: criteria provided, single submitter. Criteria: Invitae Variant Classification Sherloc (09022015). Collection method: clinical testing. Allele origin: germline.
Comment: This variant is not present in population databases (gnomAD no frequency). In summary, the currently available evidence indicates that the variant is pathogenic, but additional data are needed to prove that conclusively. Therefore, this variant has been classified as Likely Pathogenic. This variant disrupts the triple helix domain of COL4A1. Glycine residues within the Gly-Xaa-Yaa repeats of the triple helix domain are required for the structure and stability of fibrillar collagens (PMID: 7695699, 8218237, 19344236). In COL4A1 variants affecting these glycine residues are significantly enriched in individuals with disease (PMID: 9016532, 17078022) compared to the general population (ExAC). An algorithm developed to predict the effect of missense changes on protein structure and function (PolyPhen-2) suggests that this variant is likely to be tolerated. This variant has not been reported in the literature in individuals affected with COL4A1-related conditions. This sequence change replaces glycine, which is neutral and non-polar, with arginine, which is basic and polar, at codon 861 of the COL4A1 protein (p.Gly861Arg).

Literature cited by the submitters: PubMed 7695699; PubMed 8218237; PubMed 19344236; PubMed 9016532; PubMed 17078022.